The following is an entry in ClinVar:

ClinVar aggregate classification (germline): Uncertain significance. Review status: criteria provided, multiple submitters, no conflicts (2 of 4 stars). 2 submissions from 2 submitters: Uncertain significance (2). Last evaluated 2024-09-06.

Conditions:
Congenital muscular dystrophy due to integrin alpha-7 deficiency. Also called: Congenital muscular dystrophy with integrin alpha-7 deficiency; Muscular dystrophy, congenital, due to ITGA7 deficiency; MYOPATHY, CONGENITAL, DUE TO INTEGRIN ALPHA-7 DEFICIENCY. Identifiers: Orphanet 34520, MedGen C2750786, MONDO:0013177, OMIM 613204.

Allele frequency attached by ClinVar (database versions not stated): gnomAD 0.00001; ExAC 0.00002; TOPMed 0.00002.
gnomAD v4.1: 28 of 1,613,864 alleles (0.0017%); highest among the groups gnomAD compares: Admixed American, 0.012%; no homozygotes.

Submissions (2):

Labcorp Genetics (formerly Invitae), Labcorp
Classification: Uncertain significance for Congenital muscular dystrophy due to integrin alpha-7 deficiency. Last evaluated: 2024-09-06. Review status: criteria provided, single submitter. Criteria: Invitae Variant Classification Sherloc (09022015). Collection method: clinical testing. Allele origin: germline.
Comment: This sequence change replaces alanine, which is neutral and non-polar, with threonine, which is neutral and polar, at codon 93 of the ITGA7 protein (p.Ala93Thr). This variant is present in population databases (rs777338785, gnomAD 0.02%). This variant has not been reported in the literature in individuals affected with ITGA7-related conditions. ClinVar contains an entry for this variant (Variation ID: 941015). Invitae Evidence Modeling of protein sequence and biophysical properties (such as structural, functional, and spatial information, amino acid conservation, physicochemical variation, residue mobility, and thermodynamic stability) indicates that this missense variant is not expected to disrupt ITGA7 protein function with a negative predictive value of 80%. In summary, the available evidence is currently insufficient to determine the role of this variant in disease. Therefore, it has been classified as a Variant of Uncertain Significance.

Revvity Omics, Revvity
Classification: Uncertain significance for Congenital muscular dystrophy due to integrin alpha-7 deficiency. Last evaluated: 2019-07-15. Review status: criteria provided, single submitter. Criteria: ACMG Guidelines, 2015. Collection method: clinical testing. Allele origin: germline.

NM_002206.3(ITGA7):c.277G>A (p.Ala93Thr)

Gene: ITGA7 (integrin subunit alpha 7; minus strand). Cytogenetic location: 12q13.2.
Variant type: single nucleotide variant.
Coding change: c.277G>A on transcript NM_002206.3 (MANE Select); coding-DNA position 277, G replaced by A.
Protein change: p.Ala93Thr; replaces alanine 93 with threonine.
Molecular consequence: missense variant. On other transcripts: 5 prime UTR variant (3), intron variant (1).
Genome position (GRCh38, 1-based): chr12:55,703,108, C>T on the plus strand (G>A on the coding strand, the complement: ITGA7 is on the minus strand). VCF-style: chr12-55703108-C-T. GRCh37 (hg19) VCF-style: chr12-56096892-C-T.
Other names: c.277G>A, p.Ala93Thr (NM_001144996.2, NM_001374465.1, NM_001410977.1 and 6 more transcripts); c.-63G>A (NM_001367993.1, NM_001414035.1); c.-896G>A (NM_001367994.1); c.86-1692G>A (NM_001144997.2); short protein forms A93T.
Identifiers: ClinVar variation 941015 (VCV000941015.14), dbSNP rs777338785, ClinGen allele CA6616404.
Genomic context (GRCh38, chr12:55,703,108, plus strand): 5'-CACCTCCCTGGTCGATGTCCACTCTGTAGCAGTCAGTCTCCTCCAGGCTCAACGGGCAAG[C>T]GAAGAGGCCTCCAGTGCGATTCGCCTGCTGCCCAGGAAGAGCCAGGGCCTGGGGAGCACC-3'
Protein context (NP_002197.2, residues 83-103): QQANRTGGLF[Ala93Thr]CPLSLEETDC